The following is an entry in ClinVar:

ClinVar aggregate classification (germline): Likely benign (1 of 4 stars; one submission).

Allele frequency attached by ClinVar (database versions not stated): gnomAD exomes below 0.00001.
gnomAD v4.1: 1 of 1,471,652 alleles (0.000068%); highest among the groups gnomAD compares: Non-Finnish European, 0.000089%; no homozygotes.

Submission:

CeGaT Center for Human Genetics Tuebingen
Classification: Likely benign. Last evaluated: 2022-11-01. Review status: criteria provided, single submitter. Criteria: CeGaT Center For Human Genetics Tuebingen Variant Classification Criteria Version 2. Collection method: clinical testing. Allele origin: germline. Affected: yes. Observed: 1 variant allele.
Comment: SPNS2: PM2:Supporting, BP4, BP7

NM_001124758.3(SPNS2):c.213C>T (p.Pro71=)

Genes: SPNS2 (SPNS lysolipid transporter 2, sphingosine-1-phosphate; plus strand), SPNS2-AS1 (SPNS2 antisense RNA 1; minus strand). Cytogenetic location: 17p13.2.
Variant type: single nucleotide variant.
Coding change: c.213C>T on transcript NM_001124758.3 (MANE Select); coding-DNA position 213, C replaced by T.
Protein change: p.Pro71=; no amino-acid change (proline 71 retained).
Molecular consequence: synonymous variant.
Genome position (GRCh38, 1-based): chr17:4,499,260, C>T. VCF-style: chr17-4499260-C-T. GRCh37 (hg19) VCF-style: chr17-4402555-C-T.
Identifiers: ClinVar variation 2647256 (VCV002647256.24), dbSNP rs2507684281, ClinGen allele CA497509357.